The following is an entry in ClinVar:

NM_005188.4(CBL):c.2207A>G (p.Asn736Ser)

Gene: CBL (Cbl proto-oncogene; plus strand). Cytogenetic location: 11q23.3.
Variant type: single nucleotide variant.
Coding change: c.2207A>G on transcript NM_005188.4 (MANE Select); coding-DNA position 2207, A replaced by G.
Protein change: p.Asn736Ser; replaces asparagine 736 with serine.
Molecular consequence: missense variant.
Genome position (GRCh38, 1-based): chr11:119,297,437, A>G. VCF-style: chr11-119297437-A-G. GRCh37 (hg19) VCF-style: chr11-119168147-A-G.
Other names: short protein forms N736S.
Identifiers: ClinVar variation 3827874 (VCV003827874.1).

ClinVar aggregate classification (germline): Uncertain significance (1 of 4 stars; one submission).

Conditions:
Cardiovascular phenotype. Identifiers: MedGen CN230736.

Submission:

Ambry Genetics
Classification: Uncertain significance for Cardiovascular phenotype. Last evaluated: 2025-03-08. Review status: criteria provided, single submitter. Criteria: Ambry Variant Classification Scheme 2023. Collection method: clinical testing. Allele origin: germline.
Comment: The p.N736S variant (also known as c.2207A>G), located in coding exon 14 of the CBL gene, results from an A to G substitution at nucleotide position 2207. The asparagine at codon 736 is replaced by serine, an amino acid with highly similar properties. This amino acid position is conserved. In addition, this alteration is predicted to be tolerated by in silico analysis. Based on the available evidence, the clinical significance of this variant remains unclear.